The following is an entry in ClinVar:

ClinVar aggregate classification (germline): Conflicting classifications of pathogenicity. Review status: criteria provided, conflicting classifications (1 of 4 stars). 3 submissions from 3 submitters: Uncertain significance (2); Likely benign (1). Last evaluated 2025-03-26.

Conditions:
Inborn genetic diseases. Identifiers: MedGen C0950123, MeSH D030342.
Lipoic acid synthetase deficiency. Also called: HYPERGLYCINEMIA, LACTIC ACIDOSIS, AND SEIZURES. Identifiers: Orphanet 401859, MedGen C3280887, MONDO:0013762, OMIM 614462.

Allele frequency attached by ClinVar (database versions not stated): ExAC 0.00009; TOPMed 0.00014; gnomAD 0.00016; ESP Exome Variant Server 0.00023.
gnomAD v4.1: 272 of 1,611,742 alleles (0.017%); highest among the groups gnomAD compares: Middle Eastern, 0.082%; no homozygotes.

Submissions (3):

Ambry Genetics
Classification: Likely benign for Inborn genetic diseases. Last evaluated: 2025-03-26. Review status: criteria provided, single submitter. Criteria: Ambry Variant Classification Scheme 2023. Collection method: clinical testing. Allele origin: germline.

Labcorp Genetics (formerly Invitae), Labcorp
Classification: Uncertain significance for Lipoic acid synthetase deficiency. Last evaluated: 2024-12-24. Review status: criteria provided, single submitter. Criteria: Invitae Variant Classification Sherloc (09022015). Collection method: clinical testing. Allele origin: germline.
Comment: This sequence change replaces threonine, which is neutral and polar, with isoleucine, which is neutral and non-polar, at codon 58 of the LIAS protein (p.Thr58Ile). This variant is present in population databases (rs141723499, gnomAD 0.02%). This variant has not been reported in the literature in individuals affected with LIAS-related conditions. ClinVar contains an entry for this variant (Variation ID: 540086). An algorithm developed to predict the effect of missense changes on protein structure and function (PolyPhen-2) suggests that this variant¬†is likely to be tolerated. In summary, the available evidence is currently insufficient to determine the role of this variant in disease. Therefore, it has been classified as a Variant of Uncertain Significance.

Fulgent Genetics
Classification: Uncertain significance for Lipoic acid synthetase deficiency. Last evaluated: 2021-07-06. Review status: criteria provided, single submitter. Criteria: ACMG Guidelines, 2015. Collection method: clinical testing. Allele origin: unknown.

NM_006859.4(LIAS):c.173C>T (p.Thr58Ile)

Gene: LIAS (lipoic acid synthetase; plus strand). Cytogenetic location: 4p14.
Variant type: single nucleotide variant.
Coding change: c.173C>T on transcript NM_006859.4 (MANE Select); coding-DNA position 173, C replaced by T.
Protein change: p.Thr58Ile; replaces threonine 58 with isoleucine.
Molecular consequence: missense variant.
Genome position (GRCh38, 1-based): chr4:39,460,917, C>T. VCF-style: chr4-39460917-C-T. GRCh37 (hg19) VCF-style: chr4-39462537-C-T.
Other names: c.173C>T, p.Thr58Ile (NM_001278590.2, NM_001278591.2, NM_001278592.2 and 2 more transcripts); c.173C>T (NM_006859.2); short protein forms T58I.
Identifiers: ClinVar variation 540086 (VCV000540086.12), dbSNP rs141723499, ClinGen allele CA2894601.